The following is an entry in ClinVar:

ClinVar aggregate classification (germline): Uncertain significance. Review status: criteria provided, multiple submitters, no conflicts (2 of 4 stars). 3 submissions from 3 submitters: Uncertain significance (2). 1 of the submissions does not count toward it. Last evaluated 2022-08-09.

Conditions:
Bardet-Biedl syndrome (BBS). Identifiers: Orphanet 110, MedGen C0752166, MONDO:0015229.
Bardet-Biedl syndrome 12 (BBS12). Identifiers: Orphanet 110, MedGen C1859570, MONDO:0014440, OMIM 615989.

Allele frequency attached by ClinVar (database versions not stated): gnomAD exomes below 0.00001; gnomAD 0.00001; TOPMed 0.00001.
gnomAD v4.1: 3 of 1,614,076 alleles (0.00019%); highest among the groups gnomAD compares: Non-Finnish European, 0.00025%; no homozygotes.

Submissions (3):

Labcorp Genetics (formerly Invitae), Labcorp
Classification: Uncertain significance for Bardet-Biedl syndrome. Last evaluated: 2022-08-09. Review status: criteria provided, single submitter. Criteria: Invitae Variant Classification Sherloc (09022015). Collection method: clinical testing. Allele origin: germline.
Comment: This sequence change replaces aspartic acid, which is acidic and polar, with glutamic acid, which is acidic and polar, at codon 267 of the BBS12 protein (p.Asp267Glu). This variant is present in population databases (no rsID available, gnomAD 0.007%). This variant has not been reported in the literature in individuals affected with BBS12-related conditions. ClinVar contains an entry for this variant (Variation ID: 1003786). Algorithms developed to predict the effect of missense changes on protein structure and function (SIFT, PolyPhen-2, Align-GVGD) all suggest that this variant is likely to be tolerated. In summary, the available evidence is currently insufficient to determine the role of this variant in disease. Therefore, it has been classified as a Variant of Uncertain Significance.

Fulgent Genetics
Classification: Uncertain significance for Bardet-Biedl syndrome 12. Last evaluated: 2022-04-20. Review status: criteria provided, single submitter. Criteria: ACMG Guidelines, 2015. Collection method: clinical testing. Allele origin: unknown.

Natera, Inc.
Classification: Uncertain significance for Bardet-Biedl syndrome type 12. Last evaluated: 2021-06-29. Review status: no assertion criteria provided. Collection method: clinical testing. Allele origin: germline. Not counted in ClinVar's aggregate classification.

NM_152618.3(BBS12):c.801T>A (p.Asp267Glu)

Gene: BBS12 (Bardet-Biedl syndrome 12; plus strand). Cytogenetic location: 4q27.
Variant type: single nucleotide variant.
Coding change: c.801T>A on transcript NM_152618.3 (MANE Select); coding-DNA position 801, T replaced by A.
Protein change: p.Asp267Glu; replaces aspartic acid 267 with glutamic acid.
Molecular consequence: missense variant.
Genome position (GRCh38, 1-based): chr4:122,742,693, T>A. VCF-style: chr4-122742693-T-A. GRCh37 (hg19) VCF-style: chr4-123663848-T-A.
Other names: c.801T>A, p.Asp267Glu (NM_001178007.2); short protein forms D267E.
Identifiers: ClinVar variation 1003786 (VCV001003786.4), dbSNP rs1183146847, ClinGen allele CA358223727.